The following is an entry in ClinVar:

ClinVar aggregate classification (germline): Uncertain significance (1 of 4 stars; one submission).

Submission:

Labcorp Genetics (formerly Invitae), Labcorp
Classification: Uncertain significance. Last evaluated: 2022-05-15. Review status: criteria provided, single submitter. Criteria: Invitae Variant Classification Sherloc (09022015). Collection method: clinical testing. Allele origin: germline.
Comment: In summary, the available evidence is currently insufficient to determine the role of this variant in disease. Therefore, it has been classified as a Variant of Uncertain Significance. Algorithms developed to predict the effect of missense changes on protein structure and function output the following: SIFT: "Tolerated"; PolyPhen-2: "Benign"; Align-GVGD: "Class C0". The glutamic acid amino acid residue is found in multiple mammalian species, which suggests that this missense change does not adversely affect protein function. This variant has not been reported in the literature in individuals affected with LARS2-related conditions. This variant is not present in population databases (gnomAD no frequency). This sequence change replaces aspartic acid, which is acidic and polar, with glutamic acid, which is acidic and polar, at codon 180 of the LARS2 protein (p.Asp180Glu).

NM_015340.4(LARS2):c.540T>A (p.Asp180Glu)

Gene: LARS2 (leucyl-tRNA synthetase 2, mitochondrial; plus strand). Cytogenetic location: 3p21.31.
Variant type: single nucleotide variant.
Coding change: c.540T>A on transcript NM_015340.4 (MANE Select); coding-DNA position 540, T replaced by A.
Protein change: p.Asp180Glu; replaces aspartic acid 180 with glutamic acid.
Molecular consequence: missense variant.
Genome position (GRCh38, 1-based): chr3:45,446,914, T>A. VCF-style: chr3-45446914-T-A. GRCh37 (hg19) VCF-style: chr3-45488406-T-A.
Other names: c.540T>A, p.Asp180Glu (NM_001368263.1); short protein forms D180E.
Identifiers: ClinVar variation 1994720 (VCV001994720.4), dbSNP rs2528895745, ClinGen allele CA352977603.